The following is an entry in ClinVar:

ClinVar aggregate classification (germline): Conflicting classifications of pathogenicity. Review status: criteria provided, conflicting classifications (1 of 4 stars). 2 submissions from 2 submitters: Likely pathogenic (1); Uncertain significance (1). Last evaluated 2025-06-24.

Conditions:
PIEZO1-related disorder. Also called: PIEZO1-related condition; PIEZO1-Related Disorders.
Lymphatic malformation 6 (LMPHM6). Also called: GENERALIZED LYMPHATIC DYSPLASIA OF FOTIOU; Lymphedema, hereditary, III; PIEZO1-related generalized lymphatic dysplasia with non-immune hydrops fetalis. Identifiers: Orphanet 568062, MedGen C4225184, MONDO:0014797, OMIM 616843.

Submissions (2):

PreventionGenetics, part of Exact Sciences
Classification: Uncertain significance for PIEZO1-related condition. Last evaluated: 2025-06-24. Review status: criteria provided, single submitter. Criteria: ACMG Guidelines, 2015. Collection method: clinical testing. Allele origin: germline.
Comment: The PIEZO1 c.7492_7494delGAG variant is predicted to result in an in-frame deletion (p.Glu2498del). To our knowledge, this variant has not been reported in the literature or in a large population database (gnomAD), indicating this variant is rare. This variant is reported as likely pathogenic in ClinVar. Although we suspect that this variant may be pathogenic, at this time, the clinical significance of this variant is uncertain due to the absence of conclusive functional and genetic evidence.

Victorian Clinical Genetics Services, Murdoch Childrens Research Institute
Classification: Likely pathogenic for Lymphatic malformation 6. Last evaluated: 2023-07-17. Review status: criteria provided, single submitter. Criteria: ACMG Guidelines, 2015. Collection method: clinical testing. Allele origin: germline. Inheritance: Autosomal recessive inheritance. Affected: yes.
Comment: Based on the classification scheme VCGS_Germline_v1.3.4, this variant is classified as Likely pathogenic. Following criteria are met: 0103 - Loss of function and gain of function are known mechanisms of disease in this gene and are associated with lymphatic malformation 6 (LMPHM6; MIM#616843), and dehydrated hereditary stomatocytosis with or without pseudohyperkalaemia and/or perinatal oedema (DHS; MIM#194380), respectively (OMIM). (I) 0108 - This gene is associated with both recessive and dominant disease. LMPHM6 has been reported in individuals with biallelic variants, while DHS has only been reported in individuals with heterozygous missense variants or inframe duplication variants with a gain of function mechanism (OMIM). (I) 0213 - In-frame insertion/deletion in a non-repetitive region that has high conservation. (SP) 0252 - This variant is homozygous. (I) 0304 - Variant is present in gnomAD <0.01 for a recessive condition (v3: 1 heterozygote, 0 homozygotes). (SP) 0600 - Variant is located in the annotated Piezo_RRas_bdg domain (DECIPHER). (I) 0705 - No comparable variants have previous evidence for pathogenicity. (I) 0807 - This variant has no previous evidence of pathogenicity. (I) 0902 - This variant has moderate evidence for segregation with disease. Three babies of this family that were shown homozygous presented hydrops and one heterozygous baby did not have hydrops. (SP) 1007 - No published functional evidence has been identified for this variant. (I) 1209 - This variant has been shown to be both maternally and paternally inherited (biallelic) (by segregation analysis). (I) Legend: (SP) - Supporting pathogenic, (I) - Information, (SB) - Supporting benign

NM_001142864.4(PIEZO1):c.7486GAG[2] (p.Glu2498del)

Gene: PIEZO1 (piezo type mechanosensitive ion channel component 1 (Er blood group); minus strand). Cytogenetic location: 16q24.3.
Variant type: Microsatellite.
Coding change: c.7486GAG[2] on transcript NM_001142864.4 (MANE Select); two copies in a row of the 3-base unit GAG starting at c.7486; the reference has three copies in a row; one copy, 3 bases deleted.
Protein change: p.Glu2498del; deletes glutamic acid 2498.
Genome position (GRCh38, 1-based): chr16:88,715,677-88,715,679, CTC deleted on the plus strand (GAG on the coding strand, the reverse complement: PIEZO1 is on the minus strand); deleting any 3 consecutive bases within chr16:88,715,677-88,715,686 gives the same sequence; the position shown is the placement nearest the transcript's 3' end. VCF-style (leftmost placement, unchanged base first): chr16-88715676-ACTC-A. GRCh37 (hg19) VCF-style: chr16-88782084-ACTC-A.
Other names: c.7492_7494delGAG (NM_001142864.4, NM_001142864.3); short protein forms E2498del.
Identifiers: ClinVar variation 3376919 (VCV003376919.2).